The following is an entry in ClinVar:

ClinVar aggregate classification (germline): Uncertain significance (1 of 4 stars; one submission).

Conditions:
Peroxisome biogenesis disorder. Identifiers: Orphanet 79189, MedGen C1832200, MONDO:0019234. Disease mechanism: loss of function.

Allele frequency attached by ClinVar (database versions not stated): gnomAD exomes below 0.00001.
gnomAD v4.1: 2 of 1,613,342 alleles (0.00012%); highest among the groups gnomAD compares: Admixed American, 0.0017%; no homozygotes.

Submission:

Labcorp Genetics (formerly Invitae), Labcorp
Classification: Uncertain significance for Peroxisome biogenesis disorder. Last evaluated: 2023-08-17. Review status: criteria provided, single submitter. Criteria: Invitae Variant Classification Sherloc (09022015). Collection method: clinical testing. Allele origin: germline.
Comment: ClinVar contains an entry for this variant (Variation ID: 1392789). This variant has not been reported in the literature in individuals affected with PEX16-related conditions. The frequency data for this variant in the population databases is considered unreliable, as metrics indicate poor data quality at this position in the gnomAD database. This sequence change replaces arginine, which is basic and polar, with glycine, which is neutral and non-polar, at codon 269 of the PEX16 protein (p.Arg269Gly). Advanced modeling of protein sequence and biophysical properties (such as structural, functional, and spatial information, amino acid conservation, physicochemical variation, residue mobility, and thermodynamic stability) performed at Invitae indicates that this missense variant is not expected to disrupt PEX16 protein function. In summary, the available evidence is currently insufficient to determine the role of this variant in disease. Therefore, it has been classified as a Variant of Uncertain Significance.

NM_004813.4(PEX16):c.805A>G (p.Arg269Gly)

Gene: PEX16 (peroxisomal biogenesis factor 16; minus strand). Cytogenetic location: 11p11.2.
Variant type: single nucleotide variant.
Coding change: c.805A>G on transcript NM_004813.4 (MANE Select); coding-DNA position 805, A replaced by G.
Protein change: p.Arg269Gly; replaces arginine 269 with glycine.
Molecular consequence: missense variant.
Genome position (GRCh38, 1-based): chr11:45,913,901, T>C on the plus strand (A>G on the coding strand, the complement: PEX16 is on the minus strand). VCF-style: chr11-45913901-T-C. GRCh37 (hg19) VCF-style: chr11-45935452-T-C.
Other names: c.805A>G, p.Arg269Gly (NM_057174.3); short protein forms R269G.
Identifiers: ClinVar variation 1392789 (VCV001392789.6), dbSNP rs1202074085, ClinGen allele CA380226192.